The following is an entry in ClinVar:

ClinVar aggregate classification (germline): Uncertain significance (1 of 4 stars; one submission).

Conditions:
Inborn genetic diseases. Identifiers: MedGen C0950123, MeSH D030342.

gnomAD v4.1: 1 of 1,613,640 alleles (0.000062%); highest among the groups gnomAD compares: South Asian, 0.0011%; no homozygotes.

Submission:

Ambry Genetics
Classification: Uncertain significance for Inborn genetic diseases. Last evaluated: 2026-02-16. Review status: criteria provided, single submitter. Criteria: Ambry Variant Classification Scheme 2023. Collection method: clinical testing. Allele origin: germline.
Comment: The c.6256C>T (p.P2086S) alteration is located in exon 28 (coding exon 28) of the MED13 gene. This alteration results from a C to T substitution at nucleotide position 6256, causing the proline (P) at amino acid position 2086 to be replaced by a serine (S). Based on data from gnomAD, the T allele has an overall frequency of <0.001% (1/249168) total alleles studied. The highest observed frequency was 0.003% (1/30546) of South Asian alleles. Based on insufficient or conflicting evidence, the clinical significance of this alteration remains unclear.

NM_005121.3(MED13):c.6256C>T (p.Pro2086Ser)

Gene: MED13 (mediator complex subunit 13; minus strand). Cytogenetic location: 17q23.2.
Variant type: single nucleotide variant.
Coding change: c.6256C>T on transcript NM_005121.3 (MANE Select); coding-DNA position 6256, C replaced by T.
Protein change: p.Pro2086Ser; replaces proline 2086 with serine.
Molecular consequence: missense variant.
Genome position (GRCh38, 1-based): chr17:61,950,860, G>A on the plus strand (C>T on the coding strand, the complement: MED13 is on the minus strand). VCF-style: chr17-61950860-G-A. GRCh37 (hg19) VCF-style: chr17-60028221-G-A.
Other names: short protein forms P2086S.
Identifiers: ClinVar variation 4832730 (VCV004832730.1).